The following is an entry in ClinVar:

NM_005909.5(MAP1B):c.6230G>A (p.Arg2077His)

Gene: MAP1B (microtubule associated protein 1B; plus strand). Cytogenetic location: 5q13.2.
Variant type: single nucleotide variant.
Coding change: c.6230G>A on transcript NM_005909.5 (MANE Select); coding-DNA position 6230, G replaced by A.
Protein change: p.Arg2077His; replaces arginine 2077 with histidine.
Molecular consequence: missense variant.
Genome position (GRCh38, 1-based): chr5:72,199,585, G>A. VCF-style: chr5-72199585-G-A. GRCh37 (hg19) VCF-style: chr5-71495412-G-A.
Other names: c.5852G>A, p.Arg1951His (NM_001324255.2); short protein forms R1951H, R2077H.
Identifiers: ClinVar variation 3351538 (VCV003351538.1).

ClinVar aggregate classification (germline): Uncertain significance (0 of 4 stars; one submission).

Conditions:
MAP1B-related disorder. Also called: MAP1B-related condition.

gnomAD v4.1: 161 of 1,614,146 alleles (0.01%); highest among the groups gnomAD compares: Middle Eastern, 0.082%; 1 homozygote.

Submission:

PreventionGenetics, part of Exact Sciences
Classification: Uncertain significance for MAP1B-related condition. Last evaluated: 2024-07-16. Review status: no assertion criteria provided. Collection method: clinical testing. Allele origin: germline.
Comment: The MAP1B c.6230G>A variant is predicted to result in the amino acid substitution p.Arg2077His. To our knowledge, this variant has not been reported in the literature. This variant is reported in 0.044% of alleles in individuals of African descent in gnomAD. Although we suspect that this variant may be benign, at this time, the clinical significance of this variant is uncertain due to the absence of conclusive functional and genetic evidence.